The following is an entry in ClinVar:

ClinVar aggregate classification (germline): Uncertain significance. Review status: criteria provided, multiple submitters, no conflicts (2 of 4 stars). 7 submissions from 3 submitters: Uncertain significance (7). Last evaluated 2025-07-21.

Conditions:
Childhood onset GLUT1 deficiency syndrome 2. Also called: PAROXYSMAL EXERCISE-INDUCED DYSKINESIA WITH OR WITHOUT EPILEPSY AND/OR HEMOLYTIC ANEMIA; PAROXYSMAL EXERTION-INDUCED DYSTONIA WITH OR WITHOUT EPILEPSY AND/OR HEMOLYTIC ANEMIA; PED WITH OR WITHOUT EPILEPSY AND/OR HEMOLYTIC ANEMIA; PxMD-SLC2A1; Paroxysmal exercise-induced dystonia; GLUT1 deficiency syndrome 2. Identifiers: Orphanet 98811, MedGen C1842534, MONDO:0012805, OMIM 612126.
Encephalopathy due to GLUT1 deficiency. Also called: GLUT1 deficiency syndrome 1, infantile onset, severe; GLUCOSE TRANSPORT DEFECT, BLOOD-BRAIN BARRIER; Glucose transporter protein syndrome; GLUT1 deficiency syndrome 1; Classic Glucose Transporter Type 1 Deficiency Syndrome; De Vivo disease. Identifiers: Orphanet 71277, MedGen C4551966, MONDO:0011724, OMIM 606777.
GLUT1 deficiency syndrome 1, autosomal recessive. Identifiers: MedGen C3149117.
Hereditary cryohydrocytosis with reduced stomatin. Also called: Stomatin-deficient cryohydrocytosis with neurologic defects; GLUT1 DEFICIENCY SYNDROME WITH PSEUDOHYPERKALEMIA AND HEMOLYSIS. Identifiers: Orphanet 168577, MedGen C1837206, MONDO:0012143, OMIM 608885.
Dystonia 9 (DYT9). Also called: CHOREOATHETOSIS, KINESIGENIC, WITH EPISODIC ATAXIA AND SPASTICITY. Identifiers: Orphanet 53583, MedGen C1832855, MONDO:0010983, OMIM 601042.
Epilepsy, idiopathic generalized, susceptibility to, 12 (EIG12). Identifiers: MedGen C3553859, MONDO:0013919, OMIM 614847.
SLC2A1-related disorder. Also called: SLC2A1-related condition; SLC2A1-related disorders.

Allele frequency attached by ClinVar (database versions not stated): gnomAD exomes below 0.00001; TOPMed below 0.00001; ExAC 0.00001.

Submissions (7):

Labcorp Genetics (formerly Invitae), Labcorp
Classification: Uncertain significance for GLUT1 deficiency syndrome 1, autosomal recessive. Last evaluated: 2025-07-21. Review status: criteria provided, single submitter. Criteria: Invitae Variant Classification Sherloc (09022015). Collection method: clinical testing. Allele origin: germline.
Comment: This sequence change replaces glutamic acid, which is acidic and polar, with lysine, which is basic and polar, at codon 41 of the SLC2A1 protein (p.Glu41Lys). This variant is present in population databases (rs769722007, gnomAD 0.0009%). This missense change has been observed in individual(s) with autosomal dominant GLUT1-deficiency syndrome (PMID: 22011817). ClinVar contains an entry for this variant (Variation ID: 1402777). Invitae Evidence Modeling incorporating data from in vitro experimental studies (internal data) did not meet the statistical confidence thresholds required to predict the impact of this variant on SLC2A1 function. In summary, the available evidence is currently insufficient to determine the role of this variant in disease. Therefore, it has been classified as a Variant of Uncertain Significance.

Genome-Nilou Lab
Classification: Uncertain significance for Epilepsy, idiopathic generalized, susceptibility to, 12. Last evaluated: 2023-04-11. Review status: criteria provided, single submitter. Criteria: ACMG Guidelines, 2015. Collection method: clinical testing. Allele origin: germline. Affected: no.

Genome-Nilou Lab
Classification: Uncertain significance for Dystonia 9. Last evaluated: 2023-04-11. Review status: criteria provided, single submitter. Criteria: ACMG Guidelines, 2015. Collection method: clinical testing. Allele origin: germline. Affected: no.

Genome-Nilou Lab
Classification: Uncertain significance for Encephalopathy due to GLUT1 deficiency. Last evaluated: 2023-04-11. Review status: criteria provided, single submitter. Criteria: ACMG Guidelines, 2015. Collection method: clinical testing. Allele origin: germline. Affected: no.

Genome-Nilou Lab
Classification: Uncertain significance for Childhood onset GLUT1 deficiency syndrome 2. Last evaluated: 2023-04-11. Review status: criteria provided, single submitter. Criteria: ACMG Guidelines, 2015. Collection method: clinical testing. Allele origin: germline. Affected: no.

Genome-Nilou Lab
Classification: Uncertain significance for Hereditary cryohydrocytosis with reduced stomatin. Last evaluated: 2023-04-11. Review status: criteria provided, single submitter. Criteria: ACMG Guidelines, 2015. Collection method: clinical testing. Allele origin: germline. Affected: no.

PreventionGenetics, part of Exact Sciences
Classification: Uncertain significance for SLC2A1-related condition. Last evaluated: 2022-12-15. Review status: criteria provided, single submitter. Criteria: ACMG Guidelines, 2015. Collection method: clinical testing. Allele origin: germline.
Comment: The SLC2A1 c.121G>A variant is predicted to result in the amino acid substitution p.Glu41Lys. This variant has been reported in a single individual with glucose transporter type 1 deficiency syndrome (Hashimoto et al 2011. PubMed ID: 22011817). This variant has not been reported in a large population database, indicating this variant is rare. At this time, the clinical significance of this variant is uncertain due to the absence of conclusive functional and genetic evidence.

Literature cited by the submitters: PubMed 22011817 (cited by Labcorp Genetics (formerly Invitae), Labcorp).

NM_006516.4(SLC2A1):c.121G>A (p.Glu41Lys)

Gene: SLC2A1 (solute carrier family 2 member 1; minus strand). Cytogenetic location: 1p34.2.
Variant type: single nucleotide variant.
Coding change: c.121G>A on transcript NM_006516.4 (MANE Select); coding-DNA position 121, G replaced by A.
Protein change: p.Glu41Lys; replaces glutamic acid 41 with lysine.
Molecular consequence: missense variant.
Genome position (GRCh38, 1-based): chr1:42,931,200, C>T on the plus strand (G>A on the coding strand, the complement: SLC2A1 is on the minus strand). VCF-style: chr1-42931200-C-T. GRCh37 (hg19) VCF-style: chr1-43396871-C-T.
Other names: c.121G>A (NM_006516.2); short protein forms E41K.
Identifiers: ClinVar variation 1402777 (VCV001402777.7), dbSNP rs769722007, ClinGen allele CA803608.
Genomic context (GRCh38, chr1:42,931,200, plus strand): 5'-GCGTGGTGGGCAGGATGCTCTCCCCATAGCGGTGGACCCATGTCTGGTTGTAGAACTCCT[C>T]GATCACCTGCAGGGGGAGATGCAGCCTGGGTGAGCAAGCCAGGGGCCAGGACCCAGTCTT-3'
Protein context (NP_006507.2, residues 31-51): GVINAPQKVI[Glu41Lys]EFYNQTWVHR